The following is an entry in ClinVar:

ClinVar aggregate classification (germline): Likely benign. Review status: criteria provided, multiple submitters, no conflicts (2 of 4 stars). 5 submissions from 5 submitters: Likely benign (4). 1 of the submissions does not count toward it. Last evaluated 2026-01-26.

Conditions:
Breast-ovarian cancer, familial, susceptibility to, 1 (BROVCA1). Also called: BRCA1 Hereditary Breast and Ovarian Cancer; OVARIAN CANCER, SUSCEPTIBILITY TO. Identifiers: Orphanet 145, MedGen C2676676, MONDO:0011450, OMIM 604370. Disease mechanism: loss of function.
Hereditary cancer-predisposing syndrome. Also called: Hereditary Cancer Syndrome; Hereditary neoplastic syndrome; Neoplastic Syndromes, Hereditary; Tumor predisposition. Identifiers: Orphanet 140162, MedGen C0027672, MeSH D009386, MONDO:0015356.
Hereditary breast ovarian cancer syndrome. Also called: BRCA1- and BRCA2-Associated Hereditary Breast and Ovarian Cancer; Hereditary breast and ovarian cancer syndrome; Hereditary breast and ovarian cancer syndrome (HBOC); Breast and ovarian cancer; Hereditary breast and/or ovarian cancer syndrome; Hereditary breast and ovarian cancer. Identifiers: Orphanet 145, MedGen C0677776, MeSH D061325, MONDO:0003582. Disease mechanism: loss of function.

Allele frequency attached by ClinVar (database versions not stated): gnomAD exomes below 0.00001.
gnomAD v4.1: 4 of 1,613,202 alleles (0.00025%); highest among the groups gnomAD compares: East Asian, 0.0022%; no homozygotes.

Submissions (6):

Labcorp Genetics (formerly Invitae), Labcorp
Classification: Likely benign for Hereditary breast ovarian cancer syndrome. Last evaluated: 2026-01-26. Review status: criteria provided, single submitter. Criteria: Invitae Variant Classification Sherloc (09022015). Collection method: clinical testing. Allele origin: germline.

Sema4
Classification: Likely benign for Hereditary cancer-predisposing syndrome. Last evaluated: 2021-07-22. Review status: criteria provided, single submitter. Criteria: Sema4 Curation Guidelines. Collection method: curation. Allele origin: germline.

Color Diagnostics, LLC DBA Color Health
Classification: Likely benign for Hereditary cancer-predisposing syndrome. Last evaluated: 2017-11-09. Review status: criteria provided, single submitter. Criteria: ACMG Guidelines, 2015. Collection method: clinical testing. Allele origin: germline.

GeneDx
Classification: Likely benign. Last evaluated: 2016-05-24. Review status: criteria provided, single submitter. Criteria: GeneDx Variant Classification (06012015). Collection method: clinical testing. Allele origin: germline. Affected: yes.
Comment: This variant is considered likely benign or benign based on one or more of the following criteria: it is a conservative change, it occurs at a poorly conserved position in the protein, it is predicted to be benign by multiple in silico algorithms, and/or has population frequency not consistent with disease.

Sharing Clinical Reports Project (SCRP)
Classification: Likely benign for Breast-ovarian cancer, familial 1. Last evaluated: 2012-05-01. Review status: no assertion criteria provided. Collection method: clinical testing. Allele origin: germline. Not counted in ClinVar's aggregate classification.

Brotman Baty Institute, University of Washington
No classification provided (evidence only). Condition: Breast-ovarian cancer, familial 1. Review status: no classification provided. Collection method: in vitro. Allele origin: not applicable. Functional consequence: functionally_normal. Not counted in ClinVar's aggregate classification.
ClinVar note: "not provided" was previously submitted as the classification for the variant. However, the classification appeared to be based only on an observation of functional data so it was converted to no classification on 2025-07-30.

NM_007294.4(BRCA1):c.5406+7A>G

Gene: BRCA1 (BRCA1 DNA repair associated; minus strand). Cytogenetic location: 17q21.31.
Variant type: single nucleotide variant.
Coding change: c.5406+7A>G on transcript NM_007294.4 (MANE Select); 7 bases into the intron after coding-DNA position 5406, A replaced by G.
Molecular consequence: intron variant.
Genome position (GRCh38, 1-based): chr17:43,049,114, T>C on the plus strand (A>G on the coding strand, the complement: BRCA1 is on the minus strand). VCF-style: chr17-43049114-T-C. GRCh37 (hg19) VCF-style: chr17-41201131-T-C.
Other names: IVS22+7A>G; c.1953+7A>G (NM_001408458.1, NM_001408461.1, NM_001408464.1 and 7 more transcripts); c.4515+7A>G (NM_001407967.1); c.5025+7A>G (NM_001407959.1); c.5139+7A>G (NM_001407931.1, NM_001407932.1, NM_001407928.1 and 4 more transcripts); c.5262+7A>G (NM_001407747.1, NM_001407745.1, NM_001407737.1 and 18 more transcripts); c.5022+7A>G (NM_001407962.1, NM_001407960.1); c.1593+7A>G (NM_001408512.1); and 85 more.
Identifiers: ClinVar variation 55566 (VCV000055566.18), dbSNP rs397509280, ClinGen allele CA003564.